The following is an entry in ClinVar:

NM_014141.6(CNTNAP2):c.868C>T (p.Leu290Phe)

Gene: CNTNAP2 (contactin associated protein 2; plus strand). Cytogenetic location: 7q35.
Variant type: single nucleotide variant.
Coding change: c.868C>T on transcript NM_014141.6 (MANE Select); coding-DNA position 868, C replaced by T.
Protein change: p.Leu290Phe; replaces leucine 290 with phenylalanine.
Molecular consequence: missense variant.
Genome position (GRCh38, 1-based): chr7:147,121,092, C>T. VCF-style: chr7-147121092-C-T. GRCh37 (hg19) VCF-style: chr7-146818184-C-T.
Other names: short protein forms L290F.
Identifiers: ClinVar variation 942529 (VCV000942529.8), dbSNP rs1801102385, ClinGen allele CA369923946.
Genomic context (GRCh38, chr7:147,121,092, plus strand): 5'-TTGCTGGATGACCACCACTGGCACTCTGTGGTCATTGAGCGCCAGGGGCGGAGCATTAAC[C>T]TCACTCTGGACAGGAGCATGCAGCACTTCCGTACCAATGGAGAGTTTGACTACCTGGACT-3'
Protein context (NP_054860.1, residues 280-300): VIERQGRSIN[Leu290Phe]TLDRSMQHFR

ClinVar aggregate classification (germline): Uncertain significance (1 of 4 stars; one submission).

Conditions:
Cortical dysplasia-focal epilepsy syndrome (PTHSL1). Also called: Pitt-Hopkins-like syndrome 1. Identifiers: Orphanet 163681, Orphanet 221150, MedGen C2750246, MONDO:0012400, OMIM 610042.

Allele frequency attached by ClinVar (database versions not stated): TOPMed below 0.00001; gnomAD 0.00001.
gnomAD v4.1: 1 of 1,614,032 alleles (0.000062%); highest among the groups gnomAD compares: African/African-American, 0.0013%; no homozygotes.

Submission:

Labcorp Genetics (formerly Invitae), Labcorp
Classification: Uncertain significance for Cortical dysplasia-focal epilepsy syndrome. Last evaluated: 2022-03-19. Review status: criteria provided, single submitter. Criteria: Invitae Variant Classification Sherloc (09022015). Collection method: clinical testing. Allele origin: germline.
Comment: Algorithms developed to predict the effect of missense changes on protein structure and function (SIFT, PolyPhen-2, Align-GVGD) all suggest that this variant is likely to be tolerated. ClinVar contains an entry for this variant (Variation ID: 942529). This variant has not been reported in the literature in individuals affected with CNTNAP2-related conditions. This variant is not present in population databases (gnomAD no frequency). This sequence change replaces leucine, which is neutral and non-polar, with phenylalanine, which is neutral and non-polar, at codon 290 of the CNTNAP2 protein (p.Leu290Phe). In summary, the available evidence is currently insufficient to determine the role of this variant in disease. Therefore, it has been classified as a Variant of Uncertain Significance.